The following is an entry in ClinVar:

NM_004187.5(KDM5C):c.1922T>G (p.Val641Gly)

Gene: KDM5C (lysine demethylase 5C; minus strand). Cytogenetic location: Xp11.22.
Variant type: single nucleotide variant.
Coding change: c.1922T>G on transcript NM_004187.5 (MANE Select); coding-DNA position 1922, T replaced by G.
Protein change: p.Val641Gly; replaces valine 641 with glycine.
Molecular consequence: missense variant. On other transcripts: non-coding transcript variant (3).
Genome position (GRCh38, 1-based): chrX:53,201,689, A>C on the plus strand (T>G on the coding strand, the complement: KDM5C is on the minus strand). VCF-style: chrX-53201689-A-C. GRCh37 (hg19) VCF-style: chrX-53230871-A-C.
Other names: c.1721T>G, p.Val574Gly (NM_001146702.2); c.1919T>G, p.Val640Gly (NM_001282622.3, NM_001353979.2, NM_001353982.2); c.1922T>G, p.Val641Gly (NM_001353978.3, NM_001353981.2, NM_001353984.2); short protein forms V574G, V640G, V641G.
Identifiers: ClinVar variation 3066268 (VCV003066268.1), dbSNP rs2146866195, ClinGen allele CA413123600.

ClinVar aggregate classification (germline): Uncertain significance (1 of 4 stars; one submission).

Conditions:
Intellectual developmental disorder, X-linked, syndromic, Claes-Jensen type. Also called: INTELLECTUAL DEVELOPMENTAL DISORDER, X-LINKED, SYNDROMIC 16; MENTAL RETARDATION, X-LINKED, SYNDROMIC 16; Syndromic X-linked intellectual disability Claes-Jensen type. Identifiers: Orphanet 85279, MedGen C1845243, MONDO:0010355, OMIM 300534.

Submission:

MVZ Medizinische Genetik Mainz
Classification: Uncertain significance for Intellectual developmental disorder, X-linked, syndromic, Claes-Jensen type. Last evaluated: 2024-03-04. Review status: criteria provided, single submitter. Criteria: UK Practice Guidelines For Variant Classification V4 01 2020. Collection method: clinical testing. Allele origin: germline. Inheritance: X-linked dominant inheritance. Affected: yes. Observed: 1 variant allele.
Comment: ACMG Criteria: PM2_SUP,PP2,PP3